The following is an entry in ClinVar:

NM_001349338.3(FOXP1):c.172C>G (p.Gln58Glu)

Gene: FOXP1 (forkhead box P1; minus strand). Cytogenetic location: 3p13.
Variant type: single nucleotide variant.
Coding change: c.172C>G on transcript NM_001349338.3 (MANE Select); coding-DNA position 172, C replaced by G.
Protein change: p.Gln58Glu; replaces glutamine 58 with glutamic acid.
Molecular consequence: missense variant. On other transcripts: non-coding transcript variant (2).
Genome position (GRCh38, 1-based): chr3:71,198,210, G>C on the plus strand (C>G on the coding strand, the complement: FOXP1 is on the minus strand). VCF-style: chr3-71198210-G-C. GRCh37 (hg19) VCF-style: chr3-71247361-G-C.
Other names: c.172C>G, p.Gln58Glu (NM_001012505.2, NM_001244808.3, NM_001244810.2 and 7 more transcripts); short protein forms Q58E.
Identifiers: ClinVar variation 3001759 (VCV003001759.3), dbSNP rs2108380077, ClinGen allele CA353564983.

ClinVar aggregate classification (germline): Uncertain significance (1 of 4 stars; one submission).

Submission:

Labcorp Genetics (formerly Invitae), Labcorp
Classification: Uncertain significance. Last evaluated: 2025-08-11. Review status: criteria provided, single submitter. Criteria: Invitae Variant Classification Sherloc (09022015). Collection method: clinical testing. Allele origin: germline.
Comment: This sequence change replaces glutamine, which is neutral and polar, with glutamic acid, which is acidic and polar, at codon 58 of the FOXP1 protein (p.Gln58Glu). This variant is not present in population databases (gnomAD no frequency). This variant has not been reported in the literature in individuals affected with FOXP1-related conditions. ClinVar contains an entry for this variant (Variation ID: 3001759). Invitae Evidence Modeling of protein sequence and biophysical properties (such as structural, functional, and spatial information, amino acid conservation, physicochemical variation, residue mobility, and thermodynamic stability) indicates that this missense variant is not expected to disrupt FOXP1 protein function with a negative predictive value of 80%. In summary, the available evidence is currently insufficient to determine the role of this variant in disease. Therefore, it has been classified as a Variant of Uncertain Significance.